The following is an entry in ClinVar:

ClinVar aggregate classification (germline): Uncertain significance (1 of 4 stars; one submission).

Submission:

Labcorp Genetics (formerly Invitae), Labcorp
Classification: Uncertain significance. Last evaluated: 2024-03-02. Review status: criteria provided, single submitter. Criteria: Invitae Variant Classification Sherloc (09022015). Collection method: clinical testing. Allele origin: germline.
Comment: This sequence change replaces aspartic acid, which is acidic and polar, with histidine, which is basic and polar, at codon 1513 of the BRWD3 protein (p.Asp1513His). This variant is not present in population databases (gnomAD no frequency). This variant has not been reported in the literature in individuals affected with BRWD3-related conditions. Advanced modeling of protein sequence and biophysical properties (such as structural, functional, and spatial information, amino acid conservation, physicochemical variation, residue mobility, and thermodynamic stability) performed at Invitae indicates that this missense variant is not expected to disrupt BRWD3 protein function with a negative predictive value of 80%. In summary, the available evidence is currently insufficient to determine the role of this variant in disease. Therefore, it has been classified as a Variant of Uncertain Significance.

NM_153252.5(BRWD3):c.4537G>C (p.Asp1513His)

Gene: BRWD3 (bromodomain and WD repeat domain containing 3; minus strand). Cytogenetic location: Xq21.1.
Variant type: single nucleotide variant.
Coding change: c.4537G>C on transcript NM_153252.5 (MANE Select); coding-DNA position 4537, G replaced by C.
Protein change: p.Asp1513His; replaces aspartic acid 1513 with histidine.
Molecular consequence: missense variant.
Genome position (GRCh38, 1-based): chrX:80,681,458, C>G on the plus strand (G>C on the coding strand, the complement: BRWD3 is on the minus strand). VCF-style: chrX-80681458-C-G. GRCh37 (hg19) VCF-style: chrX-79936957-C-G.
Other names: short protein forms D1513H.
Identifiers: ClinVar variation 3619602 (VCV003619602.2).